The following is an entry in ClinVar:

NM_000063.6(C2):c.1552T>G (p.Trp518Gly)

Gene: C2 (complement C2; plus strand). Cytogenetic location: 6p21.33.
Variant type: single nucleotide variant.
Coding change: c.1552T>G on transcript NM_000063.6 (MANE Select); coding-DNA position 1552, T replaced by G.
Protein change: p.Trp518Gly; replaces tryptophan 518 with glycine.
Molecular consequence: missense variant.
Genome position (GRCh38, 1-based): chr6:31,943,512, T>G. VCF-style: chr6-31943512-T-G. GRCh37 (hg19) VCF-style: chr6-31911289-T-G.
Other names: c.1156T>G, p.Trp386Gly (NM_001145903.3); c.910T>G, p.Trp304Gly (NM_001178063.3); c.814T>G, p.Trp272Gly (NM_001282457.2); c.1465T>G, p.Trp489Gly (NM_001282458.2); short protein forms W304G, W272G, W386G, W518G, W489G.
Identifiers: ClinVar variation 1369923 (VCV001369923.6), dbSNP rs1771073249, ClinGen allele CA363378093.

ClinVar aggregate classification (germline): Uncertain significance (1 of 4 stars; one submission).

Submission:

Labcorp Genetics (formerly Invitae), Labcorp
Classification: Uncertain significance. Last evaluated: 2024-10-16. Review status: criteria provided, single submitter. Criteria: Invitae Variant Classification Sherloc (09022015). Collection method: clinical testing. Allele origin: germline.
Comment: This sequence change replaces tryptophan, which is neutral and slightly polar, with glycine, which is neutral and non-polar, at codon 518 of the C2 protein (p.Trp518Gly). This variant is not present in population databases (gnomAD no frequency). This variant has not been reported in the literature in individuals affected with C2-related conditions. ClinVar contains an entry for this variant (Variation ID: 1369923). Invitae Evidence Modeling of protein sequence and biophysical properties (such as structural, functional, and spatial information, amino acid conservation, physicochemical variation, residue mobility, and thermodynamic stability) indicates that this missense variant is expected to disrupt C2 protein function with a positive predictive value of 80%. In summary, the available evidence is currently insufficient to determine the role of this variant in disease. Therefore, it has been classified as a Variant of Uncertain Significance.